The following is an entry in ClinVar:

NM_001110556.2(FLNA):c.3342C>G (p.Cys1114Trp)

Gene: FLNA (filamin A; minus strand). Cytogenetic location: Xq28.
Variant type: single nucleotide variant.
Coding change: c.3342C>G on transcript NM_001110556.2 (MANE Select); coding-DNA position 3342, C replaced by G.
Protein change: p.Cys1114Trp; replaces cysteine 1114 with tryptophan.
Molecular consequence: missense variant.
Genome position (GRCh38, 1-based): chrX:154,360,453, G>C on the plus strand (C>G on the coding strand, the complement: FLNA is on the minus strand). VCF-style: chrX-154360453-G-C. GRCh37 (hg19) VCF-style: chrX-153588821-G-C.
Other names: c.3342C>G, p.Cys1114Trp (NM_001456.4); c.3342C>G (NM_001456.3); short protein forms C1114W.
Identifiers: ClinVar variation 2162292 (VCV002162292.5), dbSNP rs1569551681, ClinGen allele CA415228450.
Genomic context (GRCh38, chrX:154,360,453, plus strand): 5'-GTAGTCCCCGGGCTCGGTGGGCACGTAGGACACGGAACATGTGCCATCCCCATTGTCCAA[G>C]CACTCGAGCTGCGCCTCACAGGGGCCCTCCACCGTCAGGCCCAGGCCACCTGTGCCGGCG-3'
Protein context (NP_001104026.1, residues 1104-1124): VEGPCEAQLE[Cys1114Trp]LDNGDGTCSV

ClinVar aggregate classification (germline): Uncertain significance. Review status: criteria provided, multiple submitters, no conflicts (2 of 4 stars). 2 submissions from 2 submitters: Uncertain significance (2). Last evaluated 2024-04-16.

Conditions:
Oto-palato-digital syndrome, type II (OPD2). Also called: Otopalatodigital Syndrome Type 2 (FLNA-OPD2); Otopalatodigital Syndrome, Type II; FACIOPALATOOSSEOUS SYNDROME; OPD II SYNDROME. Identifiers: Orphanet 669, Orphanet 90652, MedGen C1844696, MONDO:0010571, OMIM 304120.
Frontometaphyseal dysplasia (FMD1). Identifiers: Orphanet 1826, MedGen C0265293, MONDO:0015942.
Melnick-Needles syndrome (MNS). Also called: Melnick-Needles Syndrome (FLNA-MNS); MELNICK-NEEDLES OSTEODYSPLASTY; OSTEODYSPLASTY OF MELNICK AND NEEDLES. Identifiers: Orphanet 2484, MedGen C0025237, MONDO:0010650, OMIM 309350.
Heterotopia, periventricular, X-linked dominant (PVNH1). Also called: PERIVENTRICULAR NODULAR HETEROTOPIA 4; HETEROTOPIA, PERIVENTRICULAR, 1; X-linked periventricular heterotopia; PERIVENTRICULAR NODULAR HETEROTOPIA 1. Identifiers: Orphanet 2149, Orphanet 82004, MedGen C1848213, MONDO:0010233, OMIM 300049.

Allele frequency attached by ClinVar (database versions not stated): gnomAD 0.00001.
gnomAD v4.1: 1 of 1,210,758 alleles (0.000083%); highest among the groups gnomAD compares: African/African-American, 0.0017%; no homozygotes.

Submissions (2):

GeneDx
Classification: Uncertain significance. Last evaluated: 2024-04-16. Review status: criteria provided, single submitter. Criteria: GeneDx Variant Classification Process June 2021. Collection method: clinical testing. Allele origin: germline. Affected: yes.
Comment: Not observed at significant frequency in large population cohorts (gnomAD); In silico analysis supports that this missense variant has a deleterious effect on protein structure/function; Has not been previously published as pathogenic or benign to our knowledge; This variant is associated with the following publications: (PMID: 27535533, 37745463)

Labcorp Genetics (formerly Invitae), Labcorp
Classification: Uncertain significance for Oto-palato-digital syndrome, type II; Heterotopia, periventricular, X-linked dominant; Frontometaphyseal dysplasia; Melnick-Needles syndrome. Last evaluated: 2024-03-17. Review status: criteria provided, single submitter. Criteria: Invitae Variant Classification Sherloc (09022015). Collection method: clinical testing. Allele origin: germline.
Comment: This sequence change replaces cysteine, which is neutral and slightly polar, with tryptophan, which is neutral and slightly polar, at codon 1114 of the FLNA protein (p.Cys1114Trp). This variant is not present in population databases (gnomAD no frequency). This variant has not been reported in the literature in individuals affected with FLNA-related conditions. ClinVar contains an entry for this variant (Variation ID: 2162292). Advanced modeling of protein sequence and biophysical properties (such as structural, functional, and spatial information, amino acid conservation, physicochemical variation, residue mobility, and thermodynamic stability) performed at Invitae indicates that this missense variant is not expected to disrupt FLNA protein function with a negative predictive value of 95%. In summary, the available evidence is currently insufficient to determine the role of this variant in disease. Therefore, it has been classified as a Variant of Uncertain Significance.